The following is an entry in ClinVar:

ClinVar aggregate classification (germline): Uncertain significance. Review status: criteria provided, single submitter (1 of 4 stars). 2 submissions from 2 submitters: Uncertain significance (1). 1 of the submissions does not count toward it. Last evaluated 2025-05-29.

Conditions:
Inborn genetic diseases. Identifiers: MedGen C0950123, MeSH D030342.

gnomAD v4.1: 6 of 1,614,130 alleles (0.00037%); highest among the groups gnomAD compares: South Asian, 0.0055%; no homozygotes.

Submissions (2):

Ambry Genetics
Classification: Uncertain significance for Inborn genetic diseases. Last evaluated: 2025-05-29. Review status: criteria provided, single submitter. Criteria: Ambry Variant Classification Scheme 2023. Collection method: clinical testing. Allele origin: germline.

Department of Pathology and Laboratory Medicine, Sinai Health System
Classification: Uncertain significance. Review status: no assertion criteria provided. Collection method: clinical testing. Allele origin: unknown. Affected: yes. Study: The Canadian Open Genetics Repository (COGR). Not counted in ClinVar's aggregate classification.
Comment: The AP1B1 p.E189Q variant was not identified in the literature nor was it identified in Clinvar. The variant was identified in dbSNP (ID: rs570779704) and in control databases in 2 of 251180 chromosomes at a frequency of 0.000007962 (Genome Aggregation Database March 6, 2019, v2.1.1). The p.E189 residue is conserved in mammals and more distantly related organisms however computational analyses (MUT Assesor, PolyPhen-2, SIFT, MutationTaster, Revel, FATHMM, MetaLR, DANN) do not suggest a high likelihood of impact to the protein; this information is not predictive enough to rule out pathogenicity. The variant occurs outside of the splicing consensus sequence and in silico or computational prediction software programs (Splice AI exome) do not predict a deleterious effect on splicing. In summary, based on the above information the clinical significance of this variant cannot be determined with certainty at this time. This variant is classified as a variant of uncertain significance.

NM_001127.4(AP1B1):c.565G>C (p.Glu189Gln)

Gene: AP1B1 (adaptor related protein complex 1 subunit beta 1; minus strand). Cytogenetic location: 22q12.2.
Variant type: single nucleotide variant.
Coding change: c.565G>C on transcript NM_001127.4 (MANE Select); coding-DNA position 565, G replaced by C.
Protein change: p.Glu189Gln; replaces glutamic acid 189 with glutamine.
Molecular consequence: missense variant.
Genome position (GRCh38, 1-based): chr22:29,356,577, C>G on the plus strand (G>C on the coding strand, the complement: AP1B1 is on the minus strand). VCF-style: chr22-29356577-C-G. GRCh37 (hg19) VCF-style: chr22-29752566-C-G.
Other names: c.565G>C, p.Glu189Gln (NM_001166019.2, NM_001378562.1, NM_001378563.1 and 2 more transcripts); c.394G>C, p.Glu132Gln (NM_001378564.1, NM_001378565.1); c.565G>C (NM_001127.3); short protein forms E132Q, E189Q.
Identifiers: ClinVar variation 1049873 (VCV001049873.2), dbSNP rs570779704, ClinGen allele CA10173432.
Genomic context (GRCh38, chr22:29,356,577, plus strand): 5'-TCAGCAGCTTGTTGATGGACTGTGGGTTCAGATCGAGCAGGTTGCTGCTGGGGTGAGACT[C>G]GGCAATTTCTGAGAGCGCTGCCACTGCATTGGCCACCACCTGGTTGAGAGGGTGGGAGGG-3'
Protein context (NP_001118.3, residues 179-199): NAVAALSEIA[Glu189Gln]SHPSSNLLDL